The following is an entry in ClinVar:

ClinVar aggregate classification (germline): Uncertain significance (1 of 4 stars; one submission).

Conditions:
Severe myoclonic epilepsy in infancy (DRVT). Also called: SEVERE MYOCLONIC EPILEPSY OF INFANCY; DEVELOPMENTAL AND EPILEPTIC ENCEPHALOPATHY 6A; Severe Myoclonic Epilepsy in Infancy (SMEI); Dravet syndrome; Epileptic encephalopathy, early infantile, 6 (Dravet syndrome). Identifiers: Orphanet 33069, MedGen C0751122, MONDO:0100135, OMIM 607208.

Submission:

Labcorp Genetics (formerly Invitae), Labcorp
Classification: Uncertain significance for Severe myoclonic epilepsy in infancy. Last evaluated: 2019-04-16. Review status: criteria provided, single submitter. Criteria: Invitae Variant Classification Sherloc (09022015). Collection method: clinical testing. Allele origin: germline.
Comment: In summary, the available evidence is currently insufficient to determine the role of this variant in disease. Therefore, it has been classified as a Variant of Uncertain Significance. Algorithms developed to predict the effect of missense changes on protein structure and function are either unavailable or do not agree on the potential impact of this missense change (SIFT: "Deleterious"; PolyPhen-2: "Probably Damaging"; Align-GVGD: "Class C0"). This variant has not been reported in the literature in individuals with SNX27-related conditions. This variant is not present in population databases (ExAC no frequency). This sequence change replaces leucine with proline at codon 405 of the SNX27 protein (p.Leu405Pro). The leucine residue is highly conserved and there is a moderate physicochemical difference between leucine and proline.

NM_001330723.2(SNX27):c.1214T>C (p.Leu405Pro)

Gene: SNX27 (sorting nexin 27; plus strand). Cytogenetic location: 1q21.3.
Variant type: single nucleotide variant.
Coding change: c.1214T>C on transcript NM_001330723.2 (MANE Select); coding-DNA position 1214, T replaced by C.
Protein change: p.Leu405Pro; replaces leucine 405 with proline.
Molecular consequence: missense variant.
Genome position (GRCh38, 1-based): chr1:151,683,420, T>C. VCF-style: chr1-151683420-T-C. GRCh37 (hg19) VCF-style: chr1-151655896-T-C.
Other names: c.1214T>C, p.Leu405Pro (NM_030918.6); short protein forms L405P.
Identifiers: ClinVar variation 849730 (VCV000849730.10), dbSNP rs1671055950, ClinGen allele CA341969729.